The following is an entry in ClinVar:

ClinVar aggregate classification (germline): Uncertain significance. Review status: criteria provided, multiple submitters, no conflicts (2 of 4 stars). 2 submissions from 2 submitters: Uncertain significance (2). Last evaluated 2024-01-22.

Conditions:
Cardiovascular phenotype. Identifiers: MedGen CN230736.
Atrioventricular septal defect 4 (AVSD4). Identifiers: MedGen C3280781, MONDO:0013747, OMIM 614430.

Allele frequency attached by ClinVar (database versions not stated): gnomAD exomes below 0.00001.
gnomAD v4.1: 2 of 1,527,560 alleles (0.00013%); highest among the groups gnomAD compares: Non-Finnish European, 0.00017%; no homozygotes.

Submissions (2):

Labcorp Genetics (formerly Invitae), Labcorp
Classification: Uncertain significance for Atrioventricular septal defect 4. Last evaluated: 2024-01-22. Review status: criteria provided, single submitter. Criteria: Invitae Variant Classification Sherloc (09022015). Collection method: clinical testing. Allele origin: germline.
Comment: This sequence change replaces proline, which is neutral and non-polar, with serine, which is neutral and polar, at codon 203 of the GATA4 protein (p.Pro203Ser). This variant is not present in population databases (gnomAD no frequency). This variant has not been reported in the literature in individuals affected with GATA4-related conditions. ClinVar contains an entry for this variant (Variation ID: 2586860). Advanced modeling of protein sequence and biophysical properties (such as structural, functional, and spatial information, amino acid conservation, physicochemical variation, residue mobility, and thermodynamic stability) performed at Invitae indicates that this missense variant is not expected to disrupt GATA4 protein function with a negative predictive value of 80%. In summary, the available evidence is currently insufficient to determine the role of this variant in disease. Therefore, it has been classified as a Variant of Uncertain Significance.

Ambry Genetics
Classification: Uncertain significance for Cardiovascular phenotype. Last evaluated: 2023-09-05. Review status: criteria provided, single submitter. Criteria: Ambry Variant Classification Scheme 2023. Collection method: clinical testing. Allele origin: germline.
Comment: The p.P203S variant (also known as c.607C>T), located in coding exon 1 of the GATA4 gene, results from a C to T substitution at nucleotide position 607. The proline at codon 203 is replaced by serine, an amino acid with similar properties. This amino acid position is conserved. In addition, the in silico prediction for this alteration is inconclusive. Since supporting evidence is limited at this time, the clinical significance of this alteration remains unclear.

NM_001308093.3(GATA4):c.607C>T (p.Pro203Ser)

Gene: GATA4 (GATA binding protein 4). Cytogenetic location: 8p23.1.
Variant type: single nucleotide variant.
Coding change: c.607C>T on transcript NM_001308093.3 (MANE Select); coding-DNA position 607, C replaced by T.
Protein change: p.Pro203Ser; replaces proline 203 with serine.
Molecular consequence: missense variant. On other transcripts: intron variant (3).
Genome position (GRCh38, 1-based): chr8:11,708,919, C>T. VCF-style: chr8-11708919-C-T. GRCh37 (hg19) VCF-style: chr8-11566428-C-T.
Other names: c.607C>T, p.Pro203Ser (NM_002052.5); c.-6+8141C>T (NM_001308094.2); c.-3+905C>T (NM_001374274.1); c.-3+4615C>T (NM_001374273.1); short protein forms P203S.
Identifiers: ClinVar variation 2586860 (VCV002586860.5), dbSNP rs2486783043, ClinGen allele CA370309979.
Genomic context (GRCh38, chr8:11,708,919, plus strand): 5'-CCCTTCGACAGCCCGGTCCTGCACAGCCTGCCCGGCCGGGCCAACCCGGCCGCCCGACAC[C>T]CCAATCTCGGTGAGTAGGAGCGCGAGGGCTGGGGCGCGTGAGGGCCGGGGCAGGGGCCGT-3'
Protein context (NP_001295022.1, residues 193-213): PGRANPAARH[Pro203Ser]NLVDMFDDFS